The following is an entry in ClinVar:

ClinVar aggregate classification (germline): Likely pathogenic (1 of 4 stars; one submission).

Conditions:
Autosomal recessive limb-girdle muscular dystrophy type 2J (LGMDR10). Also called: Limb-girdle muscular dystrophy, type 2J; MUSCULAR DYSTROPHY, LIMB-GIRDLE, AUTOSOMAL RECESSIVE 10. Identifiers: Orphanet 140922, MedGen C1837342, MONDO:0012127, OMIM 608807.
Dilated cardiomyopathy 1G (CMD1G). Identifiers: Orphanet 154, MedGen C1858763, MONDO:0011400, OMIM 604145.

Submission:

Labcorp Genetics (formerly Invitae), Labcorp
Classification: Likely pathogenic for Dilated cardiomyopathy 1G; Autosomal recessive limb-girdle muscular dystrophy type 2J. Last evaluated: 2025-07-23. Review status: criteria provided, single submitter. Criteria: Invitae Variant Classification Sherloc (09022015). Collection method: clinical testing. Allele origin: germline.
Comment: This sequence change creates a premature translational stop signal (p.Ser26392Alafs*12) in the TTN gene. While this is not anticipated to result in nonsense mediated decay, it is expected to create a truncated TTN protein. This variant is not present in population databases (gnomAD no frequency). This variant has not been reported in the literature in individuals affected with TTN-related conditions. This variant is located in the A band of TTN (PMID: 25589632). Truncating variants in this region are significantly overrepresented in patients affected with dilated cardiomyopathy (PMID: 25589632). Truncating variants in this region have also been reported in individuals affected with autosomal recessive centronuclear myopathy (PMID: 23975875). In summary, the currently available evidence indicates that the variant is pathogenic, but additional data are needed to prove that conclusively. Therefore, this variant has been classified as Likely Pathogenic.

Literature cited by the submitters: PubMed 25589632; PubMed 23975875.

NM_001267550.2(TTN):c.79174del (p.Ser26392fs)

Genes: TTN (titin; minus strand), TTN-AS1 (TTN antisense RNA 1; plus strand). Cytogenetic location: 2q31.2.
Variant type: Deletion.
Coding change: c.79174del on transcript NM_001267550.2 (MANE Select); coding-DNA position 79174, one base deleted (A; older notation c.79174delA).
Protein change: p.Ser26392fs; shifts the reading frame from serine 26392.
Molecular consequence: frameshift variant.
Genome position (GRCh38, 1-based): chr2:178,566,958, T deleted on the plus strand (A on the coding strand, the reverse complement: TTN is on the minus strand); the first of 5 consecutive T bases (chr2:178,566,958-178,566,962); deleting any one gives the same sequence. VCF-style (leftmost placement, unchanged base first): chr2-178566957-CT-C. GRCh37 (hg19) VCF-style: chr2-179431684-CT-C.
Other names: c.74251del, p.Ser24751fs (NM_001256850.1); c.51979del, p.Ser17327fs (NM_003319.4); c.71470del, p.Ser23824fs (NM_133378.4); c.52354del, p.Ser17452fs (NM_133432.3); c.52555del, p.Ser17519fs (NM_133437.4); short protein forms S17327fs, S17519fs, S26392fs, S17452fs, S23824fs, S24751fs.
Identifiers: ClinVar variation 4785661 (VCV004785661.1).